The following is an entry in ClinVar:

NM_031407.7(HUWE1):c.11747C>T (p.Pro3916Leu)

Gene: HUWE1 (HECT, UBA and WWE domain containing E3 ubiquitin protein ligase 1; minus strand). Cytogenetic location: Xp11.22.
Variant type: single nucleotide variant.
Coding change: c.11747C>T on transcript NM_031407.7 (MANE Select); coding-DNA position 11747, C replaced by T.
Protein change: p.Pro3916Leu; replaces proline 3916 with leucine.
Molecular consequence: missense variant.
Genome position (GRCh38, 1-based): chrX:53,538,966, G>A on the plus strand (C>T on the coding strand, the complement: HUWE1 is on the minus strand). VCF-style: chrX-53538966-G-A. GRCh37 (hg19) VCF-style: chrX-53565927-G-A.
Other names: short protein forms P3916L.
Identifiers: ClinVar variation 1301248 (VCV001301248.10), dbSNP rs1430366832, ClinGen allele CA413158491.

ClinVar aggregate classification (germline): Conflicting classifications of pathogenicity. Review status: criteria provided, conflicting classifications (1 of 4 stars). 3 submissions from 3 submitters: Uncertain significance (2); Benign (1). Last evaluated 2022-10-13.

Allele frequency attached by ClinVar (database versions not stated): gnomAD exomes below 0.00001 and 0.00001; TOPMed below 0.00001; gnomAD 0.00001.
gnomAD v4.1: 3 of 1,205,697 alleles (0.00025%); highest among the groups gnomAD compares: Admixed American, 0.0066%; no homozygotes.

Submissions (3):

Labcorp Genetics (formerly Invitae), Labcorp
Classification: Benign. Last evaluated: 2022-10-13. Review status: criteria provided, single submitter. Criteria: Invitae Variant Classification Sherloc (09022015). Collection method: clinical testing. Allele origin: germline.

Greenwood Genetic Center Diagnostic Laboratories, Greenwood Genetic Center
Classification: Uncertain significance. Last evaluated: 2022-06-15. Review status: criteria provided, single submitter. Criteria: ACMG Guidelines, 2015. Collection method: clinical testing. Allele origin: germline. Affected: yes.
Comment: PM2

GeneDx
Classification: Uncertain significance. Last evaluated: 2021-09-09. Review status: criteria provided, single submitter. Criteria: GeneDx Variant Classification Process June 2021. Collection method: clinical testing. Allele origin: germline. Affected: yes.
Comment: In silico analysis supports that this missense variant has a deleterious effect on protein structure/function; Has not been previously published as pathogenic or benign to our knowledge